The following is an entry in ClinVar:

ClinVar aggregate classification (germline): Likely pathogenic (1 of 4 stars; one submission).

Conditions:
Duchenne muscular dystrophy (DMD). Also called: MUSCULAR DYSTROPHY, PSEUDOHYPERTROPHIC PROGRESSIVE, DUCHENNE TYPE; Duchenne Muscular Dystrophy (DMD). Identifiers: Orphanet 98896, MedGen C0013264, MONDO:0010679, OMIM 310200.

Submissions (2):

Labcorp Genetics (formerly Invitae), Labcorp
Classification: Likely pathogenic for Duchenne muscular dystrophy. Last evaluated: 2024-02-01. Review status: criteria provided, single submitter. Criteria: Invitae Variant Classification Sherloc (09022015). Collection method: clinical testing. Allele origin: germline.
Comment: This sequence change affects an acceptor splice site in intron 30 of the DMD gene. It is expected to disrupt RNA splicing. Variants that disrupt the donor or acceptor splice site typically lead to a loss of protein function (PMID: 16199547), and loss-of-function variants in DMD are known to be pathogenic (PMID: 16770791, 25007885). This variant is not present in population databases (gnomAD no frequency). This variant has not been reported in the literature in individuals affected with DMD-related conditions. ClinVar contains an entry for this variant (Variation ID: 2158303). Algorithms developed to predict the effect of sequence changes on RNA splicing suggest that this variant may disrupt the consensus splice site. In summary, the currently available evidence indicates that the variant is pathogenic, but additional data are needed to prove that conclusively. Therefore, this variant has been classified as Likely Pathogenic.

Dr. Peter K. Rogan Lab, Western University
No classification provided (evidence only). Condition: Nonpapillary renal cell carcinoma. Review status: no classification provided. Collection method: in vitro. Allele origin: not applicable. Functional consequence: retained intron. Not counted in ClinVar's aggregate classification.

Literature cited by the submitters: PubMed 16199547 (cited by Labcorp Genetics (formerly Invitae), Labcorp); PubMed 16770791 (cited by Labcorp Genetics (formerly Invitae), Labcorp); PubMed 25007885 (cited by Labcorp Genetics (formerly Invitae), Labcorp).

NM_004006.3(DMD):c.4234-2A>G

Gene: DMD (dystrophin; minus strand). Cytogenetic location: Xp21.1.
Variant type: single nucleotide variant.
Coding change: c.4234-2A>G on transcript NM_004006.3 (MANE Select); the canonical splice acceptor site of the intron before coding-DNA position 4234, A replaced by G.
Molecular consequence: splice acceptor variant.
Genome position (GRCh38, 1-based): chrX:32,390,183, T>C on the plus strand (A>G on the coding strand, the complement: DMD is on the minus strand). VCF-style: chrX-32390183-T-C. GRCh37 (hg19) VCF-style: chrX-32408300-T-C.
Other names: c.4210-2A>G (NM_000109.4); c.211-2A>G (NM_004011.4); c.202-2A>G (NM_004012.4); c.4222-2A>G (NM_004009.3); c.3865-2A>G (NM_004010.3).
Identifiers: ClinVar variation 2158303 (VCV002158303.5), dbSNP rs2523136075, ClinGen allele CA412664277.
Genomic context (GRCh38, chrX:32,390,183, plus strand): 5'-TTATGTTTCTTCATTTCTTCTAAACTGATCTCATGACTTGTCAAATCAGATTGGATTTTC[T>C]GTTGGGAGGATAGCATTATTAGTCAGCATGCTCTACAAAGAACAACTAACTTTCCAAGAA-3'